The following is an entry in ClinVar:

NM_020693.4(DSCAML1):c.3941T>C (p.Val1314Ala)

Gene: DSCAML1 (DS cell adhesion molecule like 1; minus strand). Cytogenetic location: 11q23.3.
Variant type: single nucleotide variant.
Coding change: c.3941T>C on transcript NM_020693.4 (MANE Select); coding-DNA position 3941, T replaced by C.
Protein change: p.Val1314Ala; replaces valine 1314 with alanine.
Molecular consequence: missense variant.
Genome position (GRCh38, 1-based): chr11:117,439,858, A>G on the plus strand (T>C on the coding strand, the complement: DSCAML1 is on the minus strand). VCF-style: chr11-117439858-A-G. GRCh37 (hg19) VCF-style: chr11-117310574-A-G.
Other names: short protein forms V1314A.
Identifiers: ClinVar variation 2024182 (VCV002024182.4), dbSNP rs2543007762, ClinGen allele CA382761613.

ClinVar aggregate classification (germline): Uncertain significance (1 of 4 stars; one submission).

Allele frequency attached by ClinVar (database versions not stated): gnomAD exomes below 0.00001.
gnomAD v4.1: 2 of 1,614,158 alleles (0.00012%); highest among the groups gnomAD compares: Non-Finnish European, 0.00017%; no homozygotes.

Submission:

Labcorp Genetics (formerly Invitae), Labcorp
Classification: Uncertain significance. Last evaluated: 2022-10-14. Review status: criteria provided, single submitter. Criteria: Invitae Variant Classification Sherloc (09022015). Collection method: clinical testing. Allele origin: germline.
Comment: In summary, the available evidence is currently insufficient to determine the role of this variant in disease. Therefore, it has been classified as a Variant of Uncertain Significance. Algorithms developed to predict the effect of missense changes on protein structure and function (SIFT, PolyPhen-2, Align-GVGD) all suggest that this variant is likely to be disruptive. This variant has not been reported in the literature in individuals affected with DSCAML1-related conditions. This variant is not present in population databases (gnomAD no frequency). This sequence change replaces valine, which is neutral and non-polar, with alanine, which is neutral and non-polar, at codon 1374 of the DSCAML1 protein (p.Val1374Ala).